The following is an entry in ClinVar:

NM_004380.3(CREBBP):c.360G>C (p.Lys120Asn)

Gene: CREBBP (CREB binding lysine acetyltransferase; minus strand). Cytogenetic location: 16p13.3.
Variant type: single nucleotide variant.
Coding change: c.360G>C on transcript NM_004380.3 (MANE Select); coding-DNA position 360, G replaced by C.
Protein change: p.Lys120Asn; replaces lysine 120 with asparagine.
Molecular consequence: missense variant.
Genome position (GRCh38, 1-based): chr16:3,850,735, C>G on the plus strand (G>C on the coding strand, the complement: CREBBP is on the minus strand). VCF-style: chr16-3850735-C-G. GRCh37 (hg19) VCF-style: chr16-3900736-C-G.
Other names: c.360G>C, p.Lys120Asn (NM_001079846.1); short protein forms K120N.
Identifiers: ClinVar variation 4996878 (VCV004996878.1).
Genomic context (GRCh38, chr16:3,850,735, plus strand): 5'-GGTGCTGGCTGCCTGTTTAGGCAGGCTGGGGGCTGAAGAATCTCCCTGGCTCAGAGGGCT[C>G]TTGCCCATGGCACTGAGGCTGGCCATGTTAGCACTGTTCGGCTGCCCTTGAGCCTGGCCA-3'
Protein context (NP_004371.2, residues 110-130): ANMASLSAMG[Lys120Asn]SPLSQGDSSA

ClinVar aggregate classification (germline): Uncertain significance (1 of 4 stars; one submission).

Conditions:
CREBBP-related disorder. Also called: CREBBP-related condition; CREBBP-related disorders.

Submission:

PreventionGenetics, part of Exact Sciences
Classification: Uncertain significance for CREBBP-related condition. Last evaluated: 2025-02-14. Review status: criteria provided, single submitter. Criteria: ACMG Guidelines, 2015. Collection method: clinical testing. Allele origin: germline.
Comment: The CREBBP c.360G>C variant is predicted to result in the amino acid substitution p.Lys120Asn. To our knowledge, this variant has not been reported in the literature or in a large population database (gnomAD), indicating this variant is rare. At this time, the clinical significance of this variant is uncertain due to the absence of conclusive functional and genetic evidence.